The following is an entry in ClinVar:

NM_005751.5(AKAP9):c.9656A>C (p.Glu3219Ala)

Gene: AKAP9 (A-kinase anchoring protein 9; plus strand). Cytogenetic location: 7q21.2.
Variant type: single nucleotide variant.
Coding change: c.9656A>C on transcript NM_005751.5 (MANE Select); coding-DNA position 9656, A replaced by C.
Protein change: p.Glu3219Ala; replaces glutamic acid 3219 with alanine.
Molecular consequence: missense variant.
Genome position (GRCh38, 1-based): chr7:92,095,100, A>C. VCF-style: chr7-92095100-A-C. GRCh37 (hg19) VCF-style: chr7-91724414-A-C.
Other names: c.4301A>C, p.Glu1434Ala (NM_001379277.1); c.9632A>C, p.Glu3211Ala (NM_147185.3); short protein forms E3211A, E3219A, E1434A.
Identifiers: ClinVar variation 654857 (VCV000654857.8), dbSNP rs1324778336, ClinGen allele CA368149464.

ClinVar aggregate classification (germline): Uncertain significance (1 of 4 stars; one submission).

Conditions:
Long QT syndrome (LQTS). Identifiers: MedGen C0023976, MeSH D008133, MONDO:0002442. Disease mechanism: loss of function. Inheritance: Various modes of inheritance.

Allele frequency attached by ClinVar (database versions not stated): gnomAD exomes below 0.00001.
gnomAD v4.1: 1 of 1,614,172 alleles (0.000062%); highest among the groups gnomAD compares: South Asian, 0.0011%; no homozygotes.

Submission:

Labcorp Genetics (formerly Invitae), Labcorp
Classification: Uncertain significance for Long QT syndrome. Last evaluated: 2018-11-15. Review status: criteria provided, single submitter. Criteria: Invitae Variant Classification Sherloc (09022015). Collection method: clinical testing. Allele origin: germline.
Comment: In summary, the available evidence is currently insufficient to determine the role of this variant in disease. Therefore, it has been classified as a Variant of Uncertain Significance. Algorithms developed to predict the effect of missense changes on protein structure and function (SIFT, PolyPhen-2, Align-GVGD) all suggest that this variant is likely to be disruptive, but these predictions have not been confirmed by published functional studies and their clinical significance is uncertain. This variant has not been reported in the literature in individuals with AKAP9-related disease. This variant is not present in population databases (ExAC no frequency). This sequence change replaces glutamic acid with alanine at codon 3219 of the AKAP9 protein (p.Glu3219Ala). The glutamic acid residue is highly conserved and there is a moderate physicochemical difference between glutamic acid and alanine.